The following is an entry in ClinVar:

NM_005422.4(TECTA):c.739T>C (p.Phe247Leu)

Genes: TBCEL-TECTA (TBCEL-TECTA readthrough; plus strand), TECTA (tectorin alpha; plus strand). Cytogenetic location: 11q23.3.
Variant type: single nucleotide variant.
Coding change: c.739T>C on transcript NM_005422.4 (MANE Select); coding-DNA position 739, T replaced by C.
Protein change: p.Phe247Leu; replaces phenylalanine 247 with leucine.
Molecular consequence: missense variant.
Genome position (GRCh38, 1-based): chr11:121,113,667, T>C. VCF-style: chr11-121113667-T-C. GRCh37 (hg19) VCF-style: chr11-120984376-T-C.
Other names: c.739T>C (NM_005422.2); c.1696T>C, p.Phe566Leu (NM_001378761.1); short protein forms F247L, F566L.
Identifiers: ClinVar variation 4804488 (VCV004804488.2).

ClinVar aggregate classification (germline): Uncertain significance. Review status: criteria provided, multiple submitters, no conflicts (2 of 4 stars). 2 submissions from 2 submitters: Uncertain significance (2). Last evaluated 2026-04-23.

gnomAD v4.1: 18 of 1,613,494 alleles (0.0011%); highest among the groups gnomAD compares: Middle Eastern, 0.016%; no homozygotes.

Submissions (2):

GeneDx
Classification: Uncertain significance. Last evaluated: 2026-04-23. Review status: criteria provided, single submitter. Criteria: GeneDx Variant Classification Process June 2021. Collection method: clinical testing. Allele origin: germline.
Comment: Not observed at significant frequency in large population cohorts (gnomAD); In silico analysis suggests that this missense variant does not alter protein structure/function; Has not been previously published as pathogenic or benign to our knowledge; This variant is associated with the following publications: (PMID: 21520338, 31554319, 9590290)

Labcorp Genetics (formerly Invitae), Labcorp
Classification: Uncertain significance. Last evaluated: 2025-03-27. Review status: criteria provided, single submitter. Criteria: Invitae Variant Classification Sherloc (09022015). Collection method: clinical testing. Allele origin: germline.
Comment: This sequence change replaces phenylalanine, which is neutral and non-polar, with leucine, which is neutral and non-polar, at codon 247 of the TECTA protein (p.Phe247Leu). This variant is present in population databases (rs770608150, gnomAD 0.002%). This variant has not been reported in the literature in individuals affected with TECTA-related conditions. Invitae Evidence Modeling of protein sequence and biophysical properties (such as structural, functional, and spatial information, amino acid conservation, physicochemical variation, residue mobility, and thermodynamic stability) indicates that this missense variant is not expected to disrupt TECTA protein function with a negative predictive value of 95%. In summary, the available evidence is currently insufficient to determine the role of this variant in disease. Therefore, it has been classified as a Variant of Uncertain Significance.